The following is an entry in ClinVar:

NM_024675.4(PALB2):c.1983T>G (p.Pro661=)

Gene: PALB2 (partner and localizer of BRCA2; minus strand). Cytogenetic location: 16p12.2.
Variant type: single nucleotide variant.
Coding change: c.1983T>G on transcript NM_024675.4 (MANE Select); coding-DNA position 1983, T replaced by G.
Protein change: p.Pro661=; no amino-acid change (proline 661 retained).
Molecular consequence: synonymous variant. On other transcripts: intron variant (1).
Genome position (GRCh38, 1-based): chr16:23,630,171, A>C on the plus strand (T>G on the coding strand, the complement: PALB2 is on the minus strand). VCF-style: chr16-23630171-A-C. GRCh37 (hg19) VCF-style: chr16-23641492-A-C.
Other names: c.1923T>G, p.Pro641= (NM_001407296.1); c.1983T>G, p.Pro661= (NM_001407297.1, NM_001407298.1, NM_001407299.1 and 3 more transcripts); c.1098T>G, p.Pro366= (NM_001407304.1, NM_001407305.1, NM_001407306.1 and 5 more transcripts); c.195T>G, p.Pro65= (NM_001407312.1, NM_001407313.1); c.49-896T>G (NM_001407314.1).
Identifiers: ClinVar variation 2749960 (VCV002749960.4), dbSNP rs2142384272, ClinGen allele CA494461088.

ClinVar aggregate classification (germline): Benign/Likely benign. Review status: criteria provided, multiple submitters, no conflicts (2 of 4 stars). 2 submissions from 2 submitters: Benign (1); Likely benign (1). Last evaluated 2025-01-15.

Conditions:
Familial cancer of breast. Also called: BREAST CANCER, FAMILIAL; hereditary breast carcinoma; Hereditary breast cancer. Identifiers: Orphanet 227535, MedGen C0346153, MONDO:0016419, OMIM 114480. Disease mechanism: loss of function.

Submissions (2):

Myriad Genetics, Inc.
Classification: Benign for Familial cancer of breast. Last evaluated: 2025-01-15. Review status: criteria provided, single submitter. Criteria: Myriad Autosomal Dominant, Autosomal Recessive and X-Linked Classification Criteria (2023). Collection method: clinical testing. Allele origin: unknown.
Comment: This variant is considered benign. This variant is a silent/synonymous amino acid change and it is not expected to impact splicing.

Labcorp Genetics (formerly Invitae), Labcorp
Classification: Likely benign for Familial cancer of breast. Last evaluated: 2023-08-04. Review status: criteria provided, single submitter. Criteria: Invitae Variant Classification Sherloc (09022015). Collection method: clinical testing. Allele origin: germline.